The following is an entry in ClinVar:

NM_000492.4(CFTR):c.1935G>A (p.Met645Ile)

Gene: CFTR (CF transmembrane conductance regulator; plus strand). Cytogenetic location: 7q31.2.
Variant type: single nucleotide variant.
Coding change: c.1935G>A on transcript NM_000492.4 (MANE Select); coding-DNA position 1935, G replaced by A.
Protein change: p.Met645Ile; replaces methionine 645 with isoleucine.
Molecular consequence: missense variant.
Genome position (GRCh38, 1-based): chr7:117,592,102, G>A. VCF-style: chr7-117592102-G-A. GRCh37 (hg19) VCF-style: chr7-117232156-G-A.
Other names: short protein forms M645I.
Identifiers: ClinVar variation 1782955 (VCV001782955.2), dbSNP rs2485109508, ClinGen allele CA368978881.

ClinVar aggregate classification (germline): Uncertain significance (1 of 4 stars; one submission).

Conditions:
Cystic fibrosis (CF). Also called: MUCOVISCIDOSIS. Identifiers: Orphanet 586, MedGen C0010674, MONDO:0009061, OMIM 219700. Disease mechanism: loss of function.

Submission:

Ambry Genetics
Classification: Uncertain significance for Cystic fibrosis. Last evaluated: 2021-08-18. Review status: criteria provided, single submitter. Criteria: Ambry Variant Classification Scheme 2023. Collection method: clinical testing. Allele origin: germline.
Comment: The p.M645I variant (also known as c.1935G>A), located in coding exon 14 of the CFTR gene, results from a G to A substitution at nucleotide position 1935. The methionine at codon 645 is replaced by isoleucine, an amino acid with highly similar properties. This amino acid position is conserved. In addition, the in silico prediction for this alteration is inconclusive. Since supporting evidence is limited at this time, the clinical significance of this alteration remains unclear.